The following is an entry in ClinVar:

NM_001369.3(DNAH5):c.3905del (p.Leu1302fs)

Genes: DNAH5-AS1 (DNAH5 antisense RNA 1; plus strand), DNAH5 (dynein axonemal heavy chain 5; minus strand). Cytogenetic location: 5p15.2.
Variant type: Deletion.
Coding change: c.3905del on transcript NM_001369.3 (MANE Select); coding-DNA position 3905, one base deleted (T; older notation c.3905delT).
Protein change: p.Leu1302fs; shifts the reading frame from leucine 1302.
Molecular consequence: frameshift variant.
Genome position (GRCh38, 1-based): chr5:13,867,922, A deleted on the plus strand (T on the coding strand, the reverse complement: DNAH5 is on the minus strand). VCF-style (leftmost placement, unchanged base first): chr5-13867921-CA-C. GRCh37 (hg19) VCF-style: chr5-13868030-CA-C.
Other names: c.3905del (NM_001369.2); c.3905delT (NM_001369.2); short protein forms L1302fs.
Identifiers: ClinVar variation 454772 (VCV000454772.13), dbSNP rs754698253, ClinGen allele CA3204134.

ClinVar aggregate classification (germline): Pathogenic. Review status: criteria provided, multiple submitters, no conflicts (2 of 4 stars). 5 submissions from 5 submitters: Pathogenic (4). 1 of the submissions does not count toward it. Last evaluated 2026-01-29.

Conditions:
DNAH5-related disorders.
Primary ciliary dyskinesia. Also called: Ciliary dyskinesia. Identifiers: Orphanet 244, MedGen C0008780, MONDO:0016575, HP:0012265.

Allele frequency attached by ClinVar (database versions not stated): ExAC 0.00002; gnomAD exomes 0.00002; TOPMed 0.00002; gnomAD 0.00003.

Submissions (5):

Natera, Inc.
Classification: Pathogenic for Primary ciliary dyskinesia. Last evaluated: 2026-01-29. Review status: criteria provided, single submitter. Criteria: Natera Variant Classification Schema (03/2026). Collection method: clinical testing. Allele origin: germline.
Comment: The c.3905delT variant in DNAH5 is a frameshift variant predicted to shift the reading frame beginning at codon 1302 and leads to a stop codon 19 codons downstream. This variant is expected to result in nonsense mediated decay, truncation, or a dysfunctional protein product. This variant is rare in the general population with a frequency below the threshold expected for the associated phenotype(s). This variant has been observed in one or more individuals affected with the associated recessive disease, as either homozygous or compound heterozygous with a second variant (PMID: 16627867, 25066065). Given the available evidence, this variant is classified as Pathogenic.

GeneDx
Classification: Pathogenic. Last evaluated: 2025-07-21. Review status: criteria provided, single submitter. Criteria: GeneDx Variant Classification Process June 2021. Collection method: clinical testing. Allele origin: germline. Affected: yes.
Comment: Frameshift variant predicted to result in protein truncation or nonsense mediated decay in a gene for which loss of function is a known mechanism of disease; This variant is associated with the following publications: (PMID: 25066065, 16627867, 30067075)

Labcorp Genetics (formerly Invitae), Labcorp
Classification: Pathogenic for Primary ciliary dyskinesia. Last evaluated: 2025-01-30. Review status: criteria provided, single submitter. Criteria: Invitae Variant Classification Sherloc (09022015). Collection method: clinical testing. Allele origin: germline.
Comment: This sequence change creates a premature translational stop signal (p.Leu1302Argfs*19) in the DNAH5 gene. It is expected to result in an absent or disrupted protein product. Loss-of-function variants in DNAH5 are known to be pathogenic (PMID: 11788826, 16627867). This variant is present in population databases (rs754698253, gnomAD 0.004%). This premature translational stop signal has been observed in individual(s) with primary ciliary dyskinesia (PMID: 2506606, 16627867). ClinVar contains an entry for this variant (Variation ID: 454772). For these reasons, this variant has been classified as Pathogenic.

Blueprint Genetics
Classification: Pathogenic for DNAH5-related disorders. Last evaluated: 2023-02-20. Review status: criteria provided, single submitter. Criteria: ACMG Guidelines, 2015. Collection method: clinical testing. Allele origin: germline. Affected: yes. Observed: 2 variant alleles.

Yale Center for Mendelian Genomics, Yale University
Classification: Likely pathogenic for Primary ciliary dyskinesia. Last evaluated: 2018-08-01. Review status: no assertion criteria provided. Collection method: literature only. Allele origin: germline. Affected: yes. Observed: 1 compound heterozygote. Study: Yale Center for Mendelian Genomics. Not counted in ClinVar's aggregate classification.

Literature cited by the submitters: PubMed 16627867 (cited by Natera, Inc. and Labcorp Genetics (formerly Invitae), Labcorp); PubMed 25066065 (cited by Natera, Inc.); PubMed 11788826 (cited by Labcorp Genetics (formerly Invitae), Labcorp); PubMed 2506606 (cited by Labcorp Genetics (formerly Invitae), Labcorp); PubMed 30067075 (cited by Yale Center for Mendelian Genomics, Yale University).